The following is an entry in ClinVar:

ClinVar aggregate classification (germline): Pathogenic (1 of 4 stars; one submission).

Submission:

GeneDx
Classification: Pathogenic. Last evaluated: 2026-09-30. Review status: criteria provided, single submitter. Criteria: GeneDx Variant Classification Process June 2021. Collection method: clinical testing. Allele origin: germline.
Comment: Identified in patients with clinical features consistent with a PAX3-related disorder referred for genetic testing at GeneDx and in published literature (PMID: 12949970); Canonical splice site variant predicted to result in a null allele in a gene for which loss of function is a known mechanism of disease; Not observed at significant frequency in large population cohorts (gnomAD); This variant is associated with the following publications: (PMID: 25525159, 12949970)

NM_181458.4(PAX3):c.792+1G>A

Gene: PAX3 (paired box 3; minus strand). Cytogenetic location: 2q36.1.
Variant type: single nucleotide variant.
Coding change: c.792+1G>A on transcript NM_181458.4 (MANE Select); the canonical splice donor site of the intron after coding-DNA position 792, G replaced by A.
Molecular consequence: splice donor variant.
Genome position (GRCh38, 1-based): chr2:222,232,077, C>T on the plus strand (G>A on the coding strand, the complement: PAX3 is on the minus strand). VCF-style: chr2-222232077-C-T. GRCh37 (hg19) VCF-style: chr2-223096796-C-T.
Other names: c.789+1G>A (NM_001127366.3); c.792+1G>A (NM_181460.4, NM_181461.4, NM_181459.4 and 1 more transcripts).
Identifiers: ClinVar variation 3252574 (VCV003252574.2), dbSNP rs2469284746.